The following is an entry in ClinVar:

NM_016529.6(ATP8A2):c.793G>A (p.Gly265Arg)

Gene: ATP8A2 (ATPase phospholipid transporting 8A2). Cytogenetic location: 13q12.13.
Variant type: single nucleotide variant.
Coding change: c.793G>A on transcript NM_016529.6 (MANE Select); coding-DNA position 793, G replaced by A.
Protein change: p.Gly265Arg; replaces glycine 265 with arginine.
Molecular consequence: missense variant.
Genome position (GRCh38, 1-based): chr13:25,543,304, G>A. VCF-style: chr13-25543304-G-A. GRCh37 (hg19) VCF-style: chr13-26117442-G-A.
Other names: c.673G>A, p.Gly225Arg (NM_001313741.1); c.793G>A, p.Gly265Arg (NM_001411005.1, NM_001411006.1); short protein forms G265R, G225R.
Identifiers: ClinVar variation 1931063 (VCV001931063.5), dbSNP rs1204761482, ClinGen allele CA387612381.

ClinVar aggregate classification (germline): Uncertain significance (1 of 4 stars; one submission).

Allele frequency attached by ClinVar (database versions not stated): gnomAD exomes below 0.00001.
gnomAD v4.1: 5 of 1,604,266 alleles (0.00031%); highest among the groups gnomAD compares: Middle Eastern, 0.017%; no homozygotes.

Submission:

Labcorp Genetics (formerly Invitae), Labcorp
Classification: Uncertain significance. Last evaluated: 2024-10-16. Review status: criteria provided, single submitter. Criteria: Invitae Variant Classification Sherloc (09022015). Collection method: clinical testing. Allele origin: germline.
Comment: This sequence change replaces glycine, which is neutral and non-polar, with arginine, which is basic and polar, at codon 265 of the ATP8A2 protein (p.Gly265Arg). This variant is present in population databases (no rsID available, gnomAD 0.003%). This variant has not been reported in the literature in individuals affected with ATP8A2-related conditions. ClinVar contains an entry for this variant (Variation ID: 1931063). Invitae Evidence Modeling of protein sequence and biophysical properties (such as structural, functional, and spatial information, amino acid conservation, physicochemical variation, residue mobility, and thermodynamic stability) indicates that this missense variant is expected to disrupt ATP8A2 protein function with a positive predictive value of 80%. Algorithms developed to predict the effect of sequence changes on RNA splicing suggest that this variant may disrupt the consensus splice site. In summary, the available evidence is currently insufficient to determine the role of this variant in disease. Therefore, it has been classified as a Variant of Uncertain Significance.